The following is an entry in ClinVar:

NM_000465.4(BARD1):c.2003T>A (p.Leu668Ter)

Gene: BARD1 (BRCA1 associated RING domain 1; minus strand). Cytogenetic location: 2q35.
Variant type: single nucleotide variant.
Coding change: c.2003T>A on transcript NM_000465.4 (MANE Select); coding-DNA position 2003, T replaced by A.
Protein change: p.Leu668Ter; replaces leucine 668 with a stop codon.
Molecular consequence: nonsense. On other transcripts: non-coding transcript variant (3).
Genome position (GRCh38, 1-based): chr2:214,729,007, A>T on the plus strand (T>A on the coding strand, the complement: BARD1 is on the minus strand). VCF-style: chr2-214729007-A-T. GRCh37 (hg19) VCF-style: chr2-215593731-A-T.
Other names: c.1946T>A, p.Leu649Ter (NM_001282543.2); c.650T>A, p.Leu217Ter (NM_001282545.2); c.593T>A, p.Leu198Ter (NM_001282548.2); c.464T>A, p.Leu155Ter (NM_001282549.2); short protein forms L217*, L668*, L198*, L155*, L649*.
Identifiers: ClinVar variation 1488593 (VCV001488593.11), dbSNP rs2105988065, ClinGen allele CA350450829.

ClinVar aggregate classification (germline): Conflicting classifications of pathogenicity. Review status: criteria provided, conflicting classifications (1 of 4 stars). 2 submissions from 2 submitters: Likely pathogenic (1); Uncertain significance (1). Last evaluated 2025-07-14.

Conditions:
Hereditary cancer-predisposing syndrome. Also called: Hereditary neoplastic syndrome; Neoplastic Syndromes, Hereditary; Hereditary Cancer Syndrome; Tumor predisposition. Identifiers: Orphanet 140162, MedGen C0027672, MeSH D009386, MONDO:0015356.
Familial cancer of breast. Also called: Hereditary breast cancer; BREAST CANCER, FAMILIAL; hereditary breast carcinoma. Identifiers: Orphanet 227535, MedGen C0346153, MONDO:0016419, OMIM 114480. Disease mechanism: loss of function.

Submissions (2):

Labcorp Genetics (formerly Invitae), Labcorp
Classification: Likely pathogenic for Familial cancer of breast. Last evaluated: 2025-07-14. Review status: criteria provided, single submitter. Criteria: Invitae Variant Classification Sherloc (09022015). Collection method: clinical testing. Allele origin: germline.
Comment: This sequence change creates a premature translational stop signal (p.Leu668*) in the BARD1 gene. While this is not anticipated to result in nonsense mediated decay, it is expected to disrupt the last 110 amino acid(s) of the BARD1 protein. This variant is not present in population databases (gnomAD no frequency). This variant has not been reported in the literature in individuals affected with BARD1-related conditions. ClinVar contains an entry for this variant (Variation ID: 1488593). RNA analysis performed to evaluate the impact of this premature translational stop signal on mRNA splicing indicates it does not significantly alter splicing (internal data). This variant disrupts the C-terminal BRCT domain of BARD1 protein, which is required for chromosome stability and homology-directed repair (PMID: 17848578). A different variant (p.Val767fs) that lies downstream of this variant has been reported to affect BARD1 protein function (PMID: 30925164), this suggests that disruption of this region of the protein is causative of disease. In summary, the currently available evidence indicates that the variant is pathogenic, but additional data are needed to prove that conclusively. Therefore, this variant has been classified as Likely Pathogenic.

Ambry Genetics
Classification: Uncertain significance for Hereditary cancer-predisposing syndrome. Last evaluated: 2022-02-08. Review status: criteria provided, single submitter. Criteria: Ambry Variant Classification Scheme 2023. Collection method: clinical testing. Allele origin: germline.
Comment: The p.L668* variant (also known as c.2003T>A), located in coding exon 11 of the BARD1 gene, results from a T to A substitution at nucleotide position 2003. This changes the amino acid from a leucine to a stop codon within coding exon 11. In silico splice site analysis predicts that this alteration will result in the creation or strengthening of a novel splice acceptor site which is predicted to lead to a protein with an in-frame deletion of 1 amino acid; however, direct evidence is insufficient at this time (Ambry internal data). Since supporting evidence is limited at this time, the clinical significance of this alteration remains unclear.

Literature cited by the submitters: PubMed 17848578 (cited by Labcorp Genetics (formerly Invitae), Labcorp); PubMed 30925164 (cited by Labcorp Genetics (formerly Invitae), Labcorp).